The following is an entry in ClinVar:

ClinVar aggregate classification (germline): Pathogenic (1 of 4 stars; one submission).

Submission:

Labcorp Genetics (formerly Invitae), Labcorp
Classification: Pathogenic. Last evaluated: 2023-11-06. Review status: criteria provided, single submitter. Criteria: Invitae Variant Classification Sherloc (09022015). Collection method: clinical testing. Allele origin: unknown.
Comment: This variant is a gross deletion of the genomic region encompassing exon(s) 23-31 of the EYS gene. This deletion is out-of-frame, and is expected to create a premature termination codon and result in an absent or disrupted protein product. Loss-of-function variants in EYS are known to be pathogenic (PMID: 18836446, 20333770). This variant has not been reported in the literature in individuals affected with EYS-related conditions. For these reasons, this variant has been classified as Pathogenic.

Literature cited by the submitters: PubMed 18836446; PubMed 20333770.

NC_000006.11:g.(?_64940465)_(65336158_?)del

Gene: EYS (eyes shut homolog; minus strand). Cytogenetic location: 6q12.
Variant type: Deletion.
Identifiers: ClinVar variation 3246112 (VCV003246112.1).